The following is an entry in ClinVar:

ClinVar aggregate classification (germline): Uncertain significance (1 of 4 stars; one submission).

Conditions:
Spastic ataxia 2. Also called: Ataxia, spastic, 2, autosomal recessive. Identifiers: Orphanet 397946, MedGen C1969796, MONDO:0012651, OMIM 611302.

Allele frequency attached by ClinVar (database versions not stated): gnomAD exomes below 0.00001; gnomAD 0.00001; TOPMed 0.00002; ExAC 0.00003.
gnomAD v4.1: 7 of 1,523,626 alleles (0.00046%); highest among the groups gnomAD compares: Admixed American, 0.013%; no homozygotes.

Submission:

Labcorp Genetics (formerly Invitae), Labcorp
Classification: Uncertain significance for Spastic ataxia 2. Last evaluated: 2022-05-06. Review status: criteria provided, single submitter. Criteria: Invitae Variant Classification Sherloc (09022015). Collection method: clinical testing. Allele origin: germline.
Comment: In summary, the available evidence is currently insufficient to determine the role of this variant in disease. Therefore, it has been classified as a Variant of Uncertain Significance. Algorithms developed to predict the effect of missense changes on protein structure and function are either unavailable or do not agree on the potential impact of this missense change (SIFT: "Deleterious"; PolyPhen-2: "Possibly Damaging"; Align-GVGD: "Class C0"). This variant has not been reported in the literature in individuals affected with KIF1C-related conditions. This variant is present in population databases (rs766450219, gnomAD 0.01%). This sequence change replaces valine, which is neutral and non-polar, with methionine, which is neutral and non-polar, at codon 970 of the KIF1C protein (p.Val970Met).

NM_006612.6(KIF1C):c.2908G>A (p.Val970Met)

Gene: KIF1C (kinesin family member 1C; plus strand). Cytogenetic location: 17p13.2.
Variant type: single nucleotide variant.
Coding change: c.2908G>A on transcript NM_006612.6 (MANE Select); coding-DNA position 2908, G replaced by A.
Protein change: p.Val970Met; replaces valine 970 with methionine.
Molecular consequence: missense variant.
Genome position (GRCh38, 1-based): chr17:5,023,747, G>A. VCF-style: chr17-5023747-G-A. GRCh37 (hg19) VCF-style: chr17-4927042-G-A.
Other names: short protein forms V970M.
Identifiers: ClinVar variation 1996430 (VCV001996430.4), dbSNP rs766450219, ClinGen allele CA8319430.